The following is an entry in ClinVar:

NM_030665.4(RAI1):c.688G>A (p.Gly230Arg)

Gene: RAI1 (retinoic acid induced 1; plus strand). Cytogenetic location: 17p11.2.
Variant type: single nucleotide variant.
Coding change: c.688G>A on transcript NM_030665.4 (MANE Select); coding-DNA position 688, G replaced by A.
Protein change: p.Gly230Arg; replaces glycine 230 with arginine.
Molecular consequence: missense variant.
Genome position (GRCh38, 1-based): chr17:17,793,636, G>A. VCF-style: chr17-17793636-G-A. GRCh37 (hg19) VCF-style: chr17-17696950-G-A.
Other names: short protein forms G230R.
Identifiers: ClinVar variation 1362719 (VCV001362719.10), dbSNP rs546550691, ClinGen allele CA8418170.

ClinVar aggregate classification (germline): Benign/Likely benign. Review status: criteria provided, multiple submitters, no conflicts (2 of 4 stars). 3 submissions from 3 submitters: Benign (1); Likely benign (1). 1 of the submissions does not count toward it. Last evaluated 2025-06-09.

Conditions:
RAI1-related disorder. Also called: RAI1-related condition.
Inborn genetic diseases. Identifiers: MedGen C0950123, MeSH D030342.

Allele frequency attached by ClinVar (database versions not stated): gnomAD 0.00001; gnomAD exomes 0.00001; ExAC 0.00003; 1000 Genomes Project 30x 0.00031; 1000 Genomes Project 0.00040.
gnomAD v4.1: 21 of 1,613,332 alleles (0.0013%); highest among the groups gnomAD compares: Middle Eastern, 0.033%; no homozygotes.

Submissions (3):

Labcorp Genetics (formerly Invitae), Labcorp
Classification: Benign. Last evaluated: 2025-06-09. Review status: criteria provided, single submitter. Criteria: Invitae Variant Classification Sherloc (09022015). Collection method: clinical testing. Allele origin: germline.

Ambry Genetics
Classification: Likely benign for Inborn genetic diseases. Last evaluated: 2017-12-16. Review status: criteria provided, single submitter. Criteria: Ambry Variant Classification Scheme 2023. Collection method: clinical testing. Allele origin: germline.

PreventionGenetics, part of Exact Sciences
Classification: Uncertain significance for RAI1-related condition. Last evaluated: 2024-02-29. Review status: no assertion criteria provided. Collection method: clinical testing. Allele origin: germline. Not counted in ClinVar's aggregate classification.
Comment: The RAI1 c.688G>A variant is predicted to result in the amino acid substitution p.Gly230Arg. To our knowledge, this variant has not been reported in the literature. This variant is reported in 0.013% of alleles in individuals of African descent in gnomAD, which is likely to frequent to be an unreported disease-associated variant. Although we suspect that this variant may be benign, at this time, the clinical significance of this variant is uncertain due to the absence of conclusive functional and genetic evidence.